The following is an entry in ClinVar:

ClinVar aggregate classification (germline): Likely pathogenic. Review status: criteria provided, multiple submitters, no conflicts (2 of 4 stars). 2 submissions from 2 submitters: Likely pathogenic (2). Last evaluated 2025-10-20.

Conditions:
Dilated cardiomyopathy 1G (CMD1G). Identifiers: Orphanet 154, MedGen C1858763, MONDO:0011400, OMIM 604145.
Autosomal recessive limb-girdle muscular dystrophy type 2J (LGMDR10). Also called: Limb-girdle muscular dystrophy, type 2J; MUSCULAR DYSTROPHY, LIMB-GIRDLE, AUTOSOMAL RECESSIVE 10. Identifiers: Orphanet 140922, MedGen C1837342, MONDO:0012127, OMIM 608807.

Submissions (2):

Mayo Clinic Laboratories, Mayo Clinic
Classification: Likely pathogenic. Last evaluated: 2025-10-20. Review status: criteria provided, single submitter. Criteria: ACMG Guidelines, 2015. Collection method: clinical testing. Allele origin: germline. Observed: 1 variant allele.
Comment: PM2_supporting, PVS1

Labcorp Genetics (formerly Invitae), Labcorp
Classification: Likely pathogenic for Dilated cardiomyopathy 1G; Autosomal recessive limb-girdle muscular dystrophy type 2J. Last evaluated: 2022-07-19. Review status: criteria provided, single submitter. Criteria: Invitae Variant Classification Sherloc (09022015). Collection method: clinical testing. Allele origin: germline.
Comment: This sequence change creates a premature translational stop signal (p.Trp17785*) in the TTN gene. While this is not anticipated to result in nonsense mediated decay, it is expected to create a truncated TTN protein. This variant is not present in population databases (gnomAD no frequency). This premature translational stop signal has been observed in individual(s) with TTN-related conditions (PMID: 26077850). Algorithms developed to predict the effect of sequence changes on RNA splicing suggest that this variant may create or strengthen a splice site. This variant is located in the A band of TTN (PMID: 25589632). Truncating variants in this region are significantly overrepresented in patients affected with dilated cardiomyopathy (PMID: 25589632). Truncating variants in this region have also been reported in individuals affected with autosomal recessive centronuclear myopathy (PMID: 23975875). In summary, the currently available evidence indicates that the variant is pathogenic, but additional data are needed to prove that conclusively. Therefore, this variant has been classified as Likely Pathogenic.

Literature cited by the submitters: PubMed 26077850 (cited by Mayo Clinic Laboratories, Mayo Clinic and Labcorp Genetics (formerly Invitae), Labcorp); PubMed 39020067 (cited by Mayo Clinic Laboratories, Mayo Clinic); PubMed 25589632 (cited by Labcorp Genetics (formerly Invitae), Labcorp); PubMed 23975875 (cited by Labcorp Genetics (formerly Invitae), Labcorp).

NM_001267550.2(TTN):c.53354G>A (p.Trp17785Ter)

Genes: TTN (titin; minus strand), TTN-AS1 (TTN antisense RNA 1; plus strand), LOC126806425 (BRD4-independent group 4 enhancer GRCh37_chr2:179471933-179473132; plus strand). Cytogenetic location: 2q31.2.
Variant type: single nucleotide variant.
Coding change: c.53354G>A on transcript NM_001267550.2 (MANE Select); coding-DNA position 53354, G replaced by A.
Protein change: p.Trp17785Ter; replaces tryptophan 17785 with a stop codon.
Molecular consequence: nonsense.
Genome position (GRCh38, 1-based): chr2:178,607,248, C>T on the plus strand (G>A on the coding strand, the complement: TTN is on the minus strand). VCF-style: chr2-178607248-C-T. GRCh37 (hg19) VCF-style: chr2-179471975-C-T.
Other names: p.Trp16144*; c.48431G>A, p.Trp16144Ter (NM_001256850.1); c.26159G>A, p.Trp8720Ter (NM_003319.4); c.45650G>A, p.Trp15217Ter (NM_133378.4); c.26534G>A, p.Trp8845Ter (NM_133432.3); c.26735G>A, p.Trp8912Ter (NM_133437.4); short protein forms W8845*, W15217*, W8720*, W17785*, W16144*, W8912*.
Identifiers: ClinVar variation 2083025 (VCV002083025.5), dbSNP rs2470280552, ClinGen allele CA349564879.